The following is an entry in ClinVar:

NM_004187.5(KDM5C):c.3880C>T (p.Gln1294Ter)

Gene: KDM5C (lysine demethylase 5C; minus strand). Cytogenetic location: Xp11.22.
Variant type: single nucleotide variant.
Coding change: c.3880C>T on transcript NM_004187.5 (MANE Select); coding-DNA position 3880, C replaced by T.
Protein change: p.Gln1294Ter; replaces glutamine 1294 with a stop codon.
Molecular consequence: nonsense. On other transcripts: non-coding transcript variant (3).
Genome position (GRCh38, 1-based): chrX:53,194,297, G>A on the plus strand (C>T on the coding strand, the complement: KDM5C is on the minus strand). VCF-style: chrX-53194297-G-A. GRCh37 (hg19) VCF-style: chrX-53223479-G-A.
Other names: NC_000023.10:g.53223479G>A; c.3679C>T, p.Gln1227Ter (NM_001146702.2); c.3877C>T, p.Gln1293Ter (NM_001282622.3, NM_001353979.2, NM_001353982.2); c.3880C>T, p.Gln1294Ter (NM_001353978.3, NM_001353981.2, NM_001353984.2); short protein forms Q1294*, Q1293*, Q1227*.
Identifiers: ClinVar variation 265353 (VCV000265353.4), dbSNP rs782663655, ClinGen allele CA10588793.

ClinVar aggregate classification (germline): Pathogenic (1 of 4 stars; one submission).

Submissions (2):

GeneDx
Classification: Pathogenic. Last evaluated: 2021-06-02. Review status: criteria provided, single submitter. Criteria: GeneDx Variant Classification Process June 2021. Collection method: clinical testing. Allele origin: germline. Affected: yes.
Comment: Nonsense variant predicted to result in protein truncation or nonsense mediated decay in a gene for which loss-of-function is a known mechanism of disease; Not observed at significant frequency in large population cohorts (Lek et al., 2016); Has not been previously published as pathogenic or benign to our knowledge; This variant is associated with the following publications: (PMID: 27535533)

Dr. Peter K. Rogan Lab, Western University
No classification provided (evidence only). Condition: Thyroid cancer, nonmedullary, 1. Review status: no classification provided. Collection method: in vitro. Allele origin: not applicable. Functional consequence: skipped exon. Not counted in ClinVar's aggregate classification.